The following is an entry in ClinVar:

ClinVar aggregate classification (germline): Uncertain significance (1 of 4 stars; one submission).

Conditions:
Amyotrophic lateral sclerosis type 12 (ALS12). Also called: AMYOTROPHIC LATERAL SCLEROSIS 12 WITH OR WITHOUT FRONTOTEMPORAL DEMENTIA. Identifiers: Orphanet 803, MedGen C3150692, MONDO:0013264, OMIM 613435.

gnomAD v4.1: 1 of 1,611,088 alleles (0.000062%); highest among the groups gnomAD compares: South Asian, 0.0011%; no homozygotes.

Submission:

Neuberg Centre For Genomic Medicine, NCGM
Classification: Uncertain significance for Amyotrophic lateral sclerosis type 12. Last evaluated: 2023-05-20. Review status: criteria provided, single submitter. Criteria: ACMG Guidelines, 2015. Collection method: clinical testing. Allele origin: germline. Inheritance: Autosomal dominant inheritance. Affected: yes.
Comment: The observed missense variant c.1169A>G(p.Gln390Arg) in OPTN gene has not been reported previously as a pathogenic variant nor as a benign variant, to our knowledge. The c.1169A>G variant is absent in gnomAD Exomes. The amino acid Glutamine at position 390 is changed to a Arginine changing protein sequence and it might alter its composition and physico-chemical properties. Multiple lines of computational evidence (Polyphen- probably damaging, SIFT-damaging and Mutation Taster- disease causing) predict a damaging effect on protein structure and function for this variant. The reference amino acid p.Gln390Arg in OPTN is predicted as conserved by GERP++ and PhyloP across 100 vertebrates. For these reasons, this variant has been classified as Uncertain Significance.

NM_001008212.2(OPTN):c.1169A>G (p.Gln390Arg)

Gene: OPTN (optineurin; plus strand). Cytogenetic location: 10p13.
Variant type: single nucleotide variant.
Coding change: c.1169A>G on transcript NM_001008212.2 (MANE Select); coding-DNA position 1169, A replaced by G.
Protein change: p.Gln390Arg; replaces glutamine 390 with arginine.
Molecular consequence: missense variant.
Genome position (GRCh38, 1-based): chr10:13,125,966, A>G. VCF-style: chr10-13125966-A-G. GRCh37 (hg19) VCF-style: chr10-13167966-A-G.
Other names: c.1169A>G, p.Gln390Arg (NM_001008211.1, NM_001008213.1, NM_021980.4); short protein forms Q390R.
Identifiers: ClinVar variation 3362345 (VCV003362345.3).